The following is an entry in ClinVar:

NM_006947.4(SRP72):c.1302G>T (p.Gln434His)

Gene: SRP72 (signal recognition particle 72; plus strand). Cytogenetic location: 4q12.
Variant type: single nucleotide variant.
Coding change: c.1302G>T on transcript NM_006947.4 (MANE Select); coding-DNA position 1302, G replaced by T.
Protein change: p.Gln434His; replaces glutamine 434 with histidine.
Molecular consequence: missense variant. On other transcripts: non-coding transcript variant (1).
Genome position (GRCh38, 1-based): chr4:56,489,465, G>T. VCF-style: chr4-56489465-G-T. GRCh37 (hg19) VCF-style: chr4-57355631-G-T.
Other names: c.1119G>T, p.Gln373His (NM_001267722.2); short protein forms Q373H, Q434H.
Identifiers: ClinVar variation 3962058 (VCV003962058.1).

ClinVar aggregate classification (germline): Uncertain significance (1 of 4 stars; one submission).

Submission:

Ambry Genetics
Classification: Uncertain significance. Last evaluated: 2025-04-07. Review status: criteria provided, single submitter. Criteria: Ambry Variant Classification Scheme 2023. Collection method: clinical testing. Allele origin: germline.
Comment: The p.Q434H variant (also known as c.1302G>T), located in coding exon 13 of the SRP72 gene, results from a G to T substitution at nucleotide position 1302. The glutamine at codon 434 is replaced by histidine, an amino acid with highly similar properties. This amino acid position is conserved. In addition, this alteration is predicted to be tolerated by in silico analysis. Based on the available evidence, the clinical significance of this variant remains unclear.